The following is an entry in ClinVar:

NM_005732.4(RAD50):c.64A>G (p.Lys22Glu)

Gene: RAD50 (RAD50 double strand break repair protein; plus strand). Cytogenetic location: 5q31.1.
Variant type: single nucleotide variant.
Coding change: c.64A>G on transcript NM_005732.4 (MANE Select); coding-DNA position 64, A replaced by G.
Protein change: p.Lys22Glu; replaces lysine 22 with glutamic acid.
Molecular consequence: missense variant.
Genome position (GRCh38, 1-based): chr5:132,557,388, A>G. VCF-style: chr5-132557388-A-G. GRCh37 (hg19) VCF-style: chr5-131893080-A-G.
Other names: short protein forms K22E.
Identifiers: ClinVar variation 2765122 (VCV002765122.3), dbSNP rs1325544381, ClinGen allele CA360951247.

ClinVar aggregate classification (germline): Uncertain significance (1 of 4 stars; one submission).

Conditions:
Hereditary cancer-predisposing syndrome. Also called: Hereditary neoplastic syndrome; Neoplastic Syndromes, Hereditary; Hereditary Cancer Syndrome; Tumor predisposition. Identifiers: Orphanet 140162, MedGen C0027672, MeSH D009386, MONDO:0015356.

Submission:

Labcorp Genetics (formerly Invitae), Labcorp
Classification: Uncertain significance for Hereditary cancer-predisposing syndrome. Last evaluated: 2023-10-04. Review status: criteria provided, single submitter. Criteria: Invitae Variant Classification Sherloc (09022015). Collection method: clinical testing. Allele origin: germline.
Comment: This sequence change replaces lysine, which is basic and polar, with glutamic acid, which is acidic and polar, at codon 22 of the RAD50 protein (p.Lys22Glu). This variant is not present in population databases (gnomAD no frequency). This variant has not been reported in the literature in individuals affected with RAD50-related conditions. Advanced modeling of protein sequence and biophysical properties (such as structural, functional, and spatial information, amino acid conservation, physicochemical variation, residue mobility, and thermodynamic stability) has been performed at Invitae for this missense variant, however the output from this modeling did not meet the statistical confidence thresholds required to predict the impact of this variant on RAD50 protein function. In summary, the available evidence is currently insufficient to determine the role of this variant in disease. Therefore, it has been classified as a Variant of Uncertain Significance.